The following is an entry in ClinVar:

NM_003705.5(SLC25A12):c.1224+1_1224+2del

Gene: SLC25A12 (solute carrier family 25 member 12; minus strand). Cytogenetic location: 2q31.1.
Variant type: Deletion.
Coding change: c.1224+1_1224+2del on transcript NM_003705.5 (MANE Select); the canonical splice donor site of the intron after coding-DNA position 1224, 2 bases deleted (GT; older notation c.1224+1_1224+2delGT).
Molecular consequence: splice donor variant.
Genome position (GRCh38, 1-based): chr2:171,810,222-171,810,223, AC deleted on the plus strand (GT on the coding strand, the reverse complement: SLC25A12 is on the minus strand); deleting any 2 consecutive bases within chr2:171,810,222-171,810,224 gives the same sequence; the c. name uses the placement nearest the transcript's 3' end. VCF-style (leftmost placement, unchanged base first): chr2-171810221-TAC-T. GRCh37 (hg19) VCF-style: chr2-172666731-TAC-T.
Identifiers: ClinVar variation 856800 (VCV000856800.9), dbSNP rs1683920780, ClinGen allele CA916082257.

ClinVar aggregate classification (germline): Likely pathogenic (1 of 4 stars; one submission).

Submission:

Labcorp Genetics (formerly Invitae), Labcorp
Classification: Likely pathogenic. Last evaluated: 2022-03-22. Review status: criteria provided, single submitter. Criteria: Invitae Variant Classification Sherloc (09022015). Collection method: clinical testing. Allele origin: germline.
Comment: This variant has not been reported in the literature in individuals affected with SLC25A12-related conditions. ClinVar contains an entry for this variant (Variation ID: 856800). Algorithms developed to predict the effect of sequence changes on RNA splicing suggest that this variant may disrupt the consensus splice site. In summary, the currently available evidence indicates that the variant is pathogenic, but additional data are needed to prove that conclusively. Therefore, this variant has been classified as Likely Pathogenic. This variant is not present in population databases (gnomAD no frequency). This sequence change affects a splice site in intron 12 of the SLC25A12 gene. It is expected to disrupt RNA splicing. Variants that disrupt the donor or acceptor splice site typically lead to a loss of protein function (PMID: 16199547), and loss-of-function variants in SLC25A12 are known to be pathogenic (PMID: 20015484, 31403263).

Literature cited by the submitters: PubMed 16199547; PubMed 20015484; PubMed 31403263.